The following is an entry in ClinVar:

ClinVar aggregate classification (germline): Pathogenic. Review status: criteria provided, multiple submitters, no conflicts (2 of 4 stars). 4 submissions from 4 submitters: Pathogenic (2). 2 of the submissions do not count toward it. Last evaluated 2025-04-28.

Conditions:
Inborn genetic diseases. Identifiers: MedGen C0950123, MeSH D030342.
Autism (AUTS). Also called: Autistic disorder; Autistic disorder of childhood onset. Identifiers: MedGen C0004352, MeSH D001321, MONDO:0005260, OMIM 209850, HP:0000717.

Submissions (4):

Ambry Genetics
Classification: Pathogenic for Inborn genetic diseases. Last evaluated: 2025-04-28. Review status: criteria provided, single submitter. Criteria: Ambry Variant Classification Scheme 2023. Collection method: clinical testing. Allele origin: germline.
Comment: The c.727C>T (p.R243*) alteration, located in exon 1 (coding exon 1) of the CHD8 gene, consists of a C to T substitution at nucleotide position 727. This changes the amino acid from an arginine (R) to a stop codon at amino acid position 243. This alteration is expected to result in loss of function by premature protein truncation or nonsense-mediated mRNA decay. This variant was not reported in population-based cohorts in the Genome Aggregation Database (gnomAD). This variant was reported in individual(s) with autism and/or intellectual disability; in at least one individual, it was determined to be de novo (Wang, 2020; Husson, 2024) Based on the available evidence, this alteration is classified as pathogenic.

GeneDx
Classification: Pathogenic. Last evaluated: 2024-07-03. Review status: criteria provided, single submitter. Criteria: GeneDx Variant Classification Process June 2021. Collection method: clinical testing. Allele origin: germline.
Comment: Seen in cohort of individuals with autism and/or intellectual disability; however, no further clinical information was provided (PMID: 33004838); Nonsense variant predicted to result in protein truncation or nonsense mediated decay in a gene for which loss of function is a known mechanism of disease; Not observed at significant frequency in large population cohorts (gnomAD); This variant is associated with the following publications: (PMID: 33004838)

Molecular Genetics laboratory, Necker Hospital
Classification: Likely pathogenic. Last evaluated: 2019-02-27. Review status: no assertion criteria provided. Collection method: clinical testing. Allele origin: de novo. Affected: yes. Not counted in ClinVar's aggregate classification.

Centre de Biologie Pathologie Génétique, Centre Hospitalier Universitaire de Lille
Classification: Pathogenic for Autistic disorder of childhood onset. Last evaluated: 2019-01-01. Review status: no assertion criteria provided. Collection method: clinical testing. Allele origin: de novo. Affected: yes. Not counted in ClinVar's aggregate classification.

Literature cited by the submitters: PubMed 33004838 (cited by Ambry Genetics); PubMed 37872275 (cited by Ambry Genetics).

NM_001170629.2(CHD8):c.727C>T (p.Arg243Ter)

Gene: CHD8 (chromodomain helicase DNA binding protein 8; minus strand). Cytogenetic location: 14q11.2.
Variant type: single nucleotide variant.
Coding change: c.727C>T on transcript NM_001170629.2 (MANE Select); coding-DNA position 727, C replaced by T.
Protein change: p.Arg243Ter; replaces arginine 243 with a stop codon.
Molecular consequence: nonsense. On other transcripts: intron variant (1).
Genome position (GRCh38, 1-based): chr14:21,430,917, G>A on the plus strand (C>T on the coding strand, the complement: CHD8 is on the minus strand). VCF-style: chr14-21430917-G-A. GRCh37 (hg19) VCF-style: chr14-21899076-G-A.
Other names: c.6+894C>T (NM_020920.4); short protein forms R243*.
Identifiers: ClinVar variation 975208 (VCV000975208.5), dbSNP rs1555318552, ClinGen allele CA388886466.